The following is an entry in ClinVar:

NM_001367624.2(ZNF469):c.2270T>G (p.Leu757Arg)

Gene: ZNF469 (zinc finger protein 469; plus strand). Cytogenetic location: 16q24.2.
Variant type: single nucleotide variant.
Coding change: c.2270T>G on transcript NM_001367624.2 (MANE Select); coding-DNA position 2270, T replaced by G.
Protein change: p.Leu757Arg; replaces leucine 757 with arginine.
Molecular consequence: missense variant.
Genome position (GRCh38, 1-based): chr16:88,429,740, T>G. VCF-style: chr16-88429740-T-G. GRCh37 (hg19) VCF-style: chr16-88496148-T-G.
Other names: NM_001127464.2:c.2270T>G; p.Leu757Arg; short protein forms L757R.
Identifiers: ClinVar variation 282944 (VCV000282944.67), dbSNP rs753664726, ClinGen allele CA8224757.

ClinVar aggregate classification (germline): Conflicting classifications of pathogenicity. Review status: criteria provided, conflicting classifications (1 of 4 stars). 13 submissions from 13 submitters: Uncertain significance (3); Likely benign (7). 3 of the submissions do not count toward it. Last evaluated 2026-07-01.

Conditions:
ZNF469-related disorder. Also called: ZNF469-related condition.
Cardiovascular phenotype. Identifiers: MedGen CN230736.
Ehlers-Danlos syndrome (EDS). Identifiers: Orphanet 98249, MedGen C0013720, MONDO:0020066.
Brittle cornea syndrome 1 (BCS1). Also called: DYSGENESIS MESODERMALIS CORNEAE ET SCLERAE; CORNEAL FRAGILITY, KERATOGLOBUS, BLUE SCLERAE, JOINT HYPEREXTENSIBILITY; EDS6B; Corneal fragility keratoglobus, blue sclerae AND joint hypermobility; FRAGILITAS OCULI WITH JOINT HYPEREXTENSIBILITY. Identifiers: Orphanet 90354, MedGen C0268344, MONDO:0024543, OMIM 229200.

Allele frequency attached by ClinVar (database versions not stated): ExAC 0.00033; 1000 Genomes Project 30x 0.00062; TOPMed 0.00085; gnomAD exomes 0.00128 and 0.00172; gnomAD 0.00133 and 0.00140.
gnomAD v4.1: 2,580 of 1,544,782 alleles (0.17%); highest among the groups gnomAD compares: Non-Finnish European, 0.18%; 2 homozygotes.

Submissions (13):

CeGaT Center for Human Genetics Tuebingen
Classification: Likely benign. Last evaluated: 2026-07-01. Review status: criteria provided, single submitter. Criteria: CeGaT Center For Human Genetics Tuebingen Variant Classification Criteria Version 2. Collection method: clinical testing. Allele origin: germline. Affected: yes. Observed: 7 variant alleles.
Comment: ZNF469: BS2

Labcorp Genetics (formerly Invitae), Labcorp
Classification: Likely benign. Last evaluated: 2026-01-29. Review status: criteria provided, single submitter. Criteria: Invitae Variant Classification Sherloc (09022015). Collection method: clinical testing. Allele origin: germline.

Mayo Clinic Laboratories, Mayo Clinic
Classification: Likely benign. Last evaluated: 2025-12-05. Review status: criteria provided, single submitter. Criteria: ACMG Guidelines, 2015. Collection method: clinical testing. Allele origin: germline. Observed: 13 variant alleles.
Comment: BS1, BP4_moderate

Women's Health and Genetics/Laboratory Corporation of America, LabCorp
Classification: Likely benign. Last evaluated: 2025-04-07. Review status: criteria provided, single submitter. Criteria: LabCorp Variant Classification Summary - May 2015. Collection method: clinical testing. Allele origin: germline.
Comment: Variant summary: ZNF469 c.2270T>G (p.Leu757Arg) results in a non-conservative amino acid change in the encoded protein sequence. Three of five in-silico tools predict a damaging effect of the variant on protein function. The variant allele was found at a frequency of 0.0017 in 1537902 control chromosomes, predominantly at a frequency of 0.0058 within the Finnish subpopulation in the gnomAD database, including 1 homozygote. The observed variant frequency within Finnish control individuals in the gnomAD database exceeds the estimated maximal expected allele frequency for a pathogenic variant in ZNF469 causing Brittle cornea syndrome 1 phenotype. To our knowledge, no occurrence of c.2270T>G in individuals affected with Brittle cornea syndrome 1 and no experimental evidence demonstrating its impact on protein function have been reported. ClinVar contains an entry for this variant (Variation ID: 282944). Based on the evidence outlined above, the variant was classified as likely benign.

Blueprint Genetics
Classification: Uncertain significance. Last evaluated: 2024-11-14. Review status: criteria provided, single submitter. Criteria: ACMG Guidelines, 2015. Collection method: clinical testing. Allele origin: germline.

Center for Genomics, Ann and Robert H. Lurie Children's Hospital of Chicago
Classification: Likely benign for Brittle cornea syndrome 1. Last evaluated: 2022-08-16. Review status: criteria provided, single submitter. Criteria: ACMG Guidelines, 2015. Collection method: clinical testing. Allele origin: germline.
Comment: This variant has not been reported in the literature but is present in the Genome Aggregation Database (Highest reported MAF: 0.7% [77/10626]), including in two homozygotes). This variant is also present in ClinVar (Variation ID:282944). Evolutionary conservation and computational predictive tools suggest that this variant may not impact the protein. In summary, data on this variant suggests that this variant does not cause disease but requires further evidence. Therefore, this variant is classified as likely benign.

Genome Diagnostics Laboratory, The Hospital for Sick Children
Classification: Uncertain significance for Ehlers-Danlos syndrome. Last evaluated: 2021-08-11. Review status: criteria provided, single submitter. Criteria: ACMG Guidelines, 2015. Collection method: clinical testing. Allele origin: germline.

GeneDx
Classification: Likely benign. Last evaluated: 2021-04-13. Review status: criteria provided, single submitter. Criteria: GeneDx Variant Classification Process June 2021. Collection method: clinical testing. Allele origin: germline. Affected: yes.
Comment: Reported in ClinVar as a variant of uncertain significance (ClinVar Variant ID# 282944; Landrum et al., 2016)

Ambry Genetics
Classification: Likely benign for Cardiovascular phenotype. Last evaluated: 2019-07-12. Review status: criteria provided, single submitter. Criteria: Ambry Variant Classification Scheme 2023. Collection method: clinical testing. Allele origin: germline.

Eurofins Ntd Llc (ga)
Classification: Uncertain significance. Last evaluated: 2015-09-22. Review status: criteria provided, single submitter. Criteria: EGL Classification Definitions 2015. Collection method: clinical testing. Allele origin: germline. Observed: 1 variant allele, 1 heterozygote.

PreventionGenetics, part of Exact Sciences
Classification: Likely benign for ZNF469-related condition. Last evaluated: 2020-05-05. Review status: no assertion criteria provided. Collection method: clinical testing. Allele origin: germline. Not counted in ClinVar's aggregate classification.
Comment: This variant is classified as likely benign based on ACMG/AMP sequence variant interpretation guidelines (Richards et al. 2015 PMID: 25741868, with internal and published modifications).

Clinical Genetics DNA and cytogenetics Diagnostics Lab, Erasmus MC, Erasmus Medical Center
Classification: Likely benign. Review status: no assertion criteria provided. Collection method: clinical testing. Allele origin: germline. Affected: yes. Study: VKGL Data-share Consensus. Not counted in ClinVar's aggregate classification.

Genome Diagnostics Laboratory, Amsterdam University Medical Center
Classification: Likely benign. Review status: no assertion criteria provided. Collection method: clinical testing. Allele origin: germline. Affected: yes. Study: VKGL Data-share Consensus. Not counted in ClinVar's aggregate classification.